The following is an entry in ClinVar:

NM_152564.5(VPS13B):c.1631T>C (p.Met544Thr)

Gene: VPS13B (vacuolar protein sorting 13 homolog B; plus strand). Cytogenetic location: 8q22.2.
Variant type: single nucleotide variant.
Coding change: c.1631T>C on transcript NM_152564.5 (MANE Select); coding-DNA position 1631, T replaced by C.
Protein change: p.Met544Thr; replaces methionine 544 with threonine.
Molecular consequence: missense variant.
Genome position (GRCh38, 1-based): chr8:99,136,732, T>C. VCF-style: chr8-99136732-T-C. GRCh37 (hg19) VCF-style: chr8-100148960-T-C.
Other names: c.1631T>C, p.Met544Thr (NM_015243.3, NM_017890.5); c.1631T>C (NM_017890.3); short protein forms M544T.
Identifiers: ClinVar variation 3356717 (VCV003356717.3).

ClinVar aggregate classification (germline): Uncertain significance. Review status: criteria provided, multiple submitters, no conflicts (2 of 4 stars). 3 submissions from 3 submitters: Uncertain significance (2). 1 of the submissions does not count toward it. Last evaluated 2025-10-23.

Conditions:
VPS13B-related disorder. Also called: VPS13B-related condition.
Inborn genetic diseases. Identifiers: MedGen C0950123, MeSH D030342.

gnomAD v4.1: 42 of 1,613,488 alleles (0.0026%); highest among the groups gnomAD compares: Non-Finnish European, 0.0035%; no homozygotes.

Submissions (3):

Ambry Genetics
Classification: Uncertain significance for Inborn genetic diseases. Last evaluated: 2025-10-23. Review status: criteria provided, single submitter. Criteria: Ambry Variant Classification Scheme 2023. Collection method: clinical testing. Allele origin: germline.

Blueprint Genetics
Classification: Uncertain significance. Last evaluated: 2019-11-15. Review status: criteria provided, single submitter. Criteria: ACMG Guidelines, 2015. Collection method: clinical testing. Allele origin: germline.

PreventionGenetics, part of Exact Sciences
Classification: Uncertain significance for VPS13B-related condition. Last evaluated: 2024-04-03. Review status: no assertion criteria provided. Collection method: clinical testing. Allele origin: germline. Not counted in ClinVar's aggregate classification.
Comment: The VPS13B c.1631T>C variant is predicted to result in the amino acid substitution p.Met544Thr. To our knowledge, this variant has not been reported in the literature. This variant is reported in 0.0018% of alleles in individuals of European (Non-Finnish) descent in gnomAD. At this time, the clinical significance of this variant is uncertain due to the absence of conclusive functional and genetic evidence.